The following is an entry in ClinVar:

ClinVar aggregate classification (germline): Uncertain significance. Review status: criteria provided, multiple submitters, no conflicts (2 of 4 stars). 2 submissions from 2 submitters: Uncertain significance (2). Last evaluated 2025-01-04.

Conditions:
Inborn genetic diseases. Identifiers: MedGen C0950123, MeSH D030342.

Allele frequency attached by ClinVar (database versions not stated): TOPMed 0.00001.

Submissions (2):

Ambry Genetics
Classification: Uncertain significance for Inborn genetic diseases. Last evaluated: 2025-01-04. Review status: criteria provided, single submitter. Criteria: Ambry Variant Classification Scheme 2023. Collection method: clinical testing. Allele origin: germline.

Labcorp Genetics (formerly Invitae), Labcorp
Classification: Uncertain significance. Last evaluated: 2021-05-20. Review status: criteria provided, single submitter. Criteria: Invitae Variant Classification Sherloc (09022015). Collection method: clinical testing. Allele origin: germline.
Comment: This sequence change replaces glycine with serine at codon 2375 of the USH2A protein (p.Gly2375Ser). The glycine residue is moderately conserved and there is a small physicochemical difference between glycine and serine. In summary, the available evidence is currently insufficient to determine the role of this variant in disease. Therefore, it has been classified as a Variant of Uncertain Significance. Algorithms developed to predict the effect of sequence changes on RNA splicing suggest that this variant may create or strengthen a splice site, but this prediction has not been confirmed by published transcriptional studies. Algorithms developed to predict the effect of missense changes on protein structure and function (SIFT, PolyPhen-2, Align-GVGD) all suggest that this variant is likely to be tolerated, but these predictions have not been confirmed by published functional studies and their clinical significance is uncertain. This variant has not been reported in the literature in individuals with USH2A-related conditions. This variant is not present in population databases (ExAC no frequency).

NM_206933.4(USH2A):c.7123G>A (p.Gly2375Ser)

Gene: USH2A (usherin; minus strand). Cytogenetic location: 1q41.
Variant type: single nucleotide variant.
Coding change: c.7123G>A on transcript NM_206933.4 (MANE Select); coding-DNA position 7123, G replaced by A.
Protein change: p.Gly2375Ser; replaces glycine 2375 with serine.
Molecular consequence: missense variant.
Genome position (GRCh38, 1-based): chr1:215,934,793, C>T on the plus strand (G>A on the coding strand, the complement: USH2A is on the minus strand). VCF-style: chr1-215934793-C-T. GRCh37 (hg19) VCF-style: chr1-216108135-C-T.
Other names: c.7123G>A (NM_206933.2); short protein forms G2375S.
Identifiers: ClinVar variation 1355654 (VCV001355654.9), dbSNP rs1381251611, ClinGen allele CA344858102.